The following is an entry in ClinVar:

NM_001164665.2(KIAA1549):c.5408A>C (p.Glu1803Ala)

Gene: KIAA1549 (KIAA1549; minus strand). Cytogenetic location: 7q34.
Variant type: single nucleotide variant.
Coding change: c.5408A>C on transcript NM_001164665.2 (MANE Select); coding-DNA position 5408, A replaced by C.
Protein change: p.Glu1803Ala; replaces glutamic acid 1803 with alanine.
Molecular consequence: missense variant.
Genome position (GRCh38, 1-based): chr7:138,844,361, T>G on the plus strand (A>C on the coding strand, the complement: KIAA1549 is on the minus strand). VCF-style: chr7-138844361-T-G. GRCh37 (hg19) VCF-style: chr7-138529106-T-G.
Other names: c.5408A>C, p.Glu1803Ala (NM_020910.3); short protein forms E1803A.
Identifiers: ClinVar variation 1370791 (VCV001370791.6), dbSNP rs2130333942, ClinGen allele CA369388492.

ClinVar aggregate classification (germline): Uncertain significance (1 of 4 stars; one submission).

Allele frequency attached by ClinVar (database versions not stated): gnomAD exomes below 0.00001.
gnomAD v4.1: 2 of 1,613,702 alleles (0.00012%); highest among the groups gnomAD compares: South Asian, 0.0022%; no homozygotes.

Submission:

Labcorp Genetics (formerly Invitae), Labcorp
Classification: Uncertain significance. Last evaluated: 2024-04-17. Review status: criteria provided, single submitter. Criteria: Invitae Variant Classification Sherloc (09022015). Collection method: clinical testing. Allele origin: germline.
Comment: This sequence change replaces glutamic acid, which is acidic and polar, with alanine, which is neutral and non-polar, at codon 1803 of the KIAA1549 protein (p.Glu1803Ala). This variant is not present in population databases (gnomAD no frequency). This variant has not been reported in the literature in individuals affected with KIAA1549-related conditions. ClinVar contains an entry for this variant (Variation ID: 1370791). An algorithm developed to predict the effect of missense changes on protein structure and function (PolyPhen-2) suggests that this variant is likely to be disruptive. In summary, the available evidence is currently insufficient to determine the role of this variant in disease. Therefore, it has been classified as a Variant of Uncertain Significance.